The following is an entry in ClinVar:

NM_000186.4(CFH):c.469A>G (p.Ile157Val)

Gene: CFH (complement factor H; plus strand). Cytogenetic location: 1q31.3.
Variant type: single nucleotide variant.
Coding change: c.469A>G on transcript NM_000186.4 (MANE Select); coding-DNA position 469, A replaced by G.
Protein change: p.Ile157Val; replaces isoleucine 157 with valine.
Molecular consequence: missense variant.
Genome position (GRCh38, 1-based): chr1:196,677,517, A>G. VCF-style: chr1-196677517-A-G. GRCh37 (hg19) VCF-style: chr1-196646647-A-G.
Other names: c.469A>G, p.Ile157Val (NM_001014975.3); short protein forms I157V.
Identifiers: ClinVar variation 2877286 (VCV002877286.3), dbSNP rs2529344618, ClinGen allele CA343977056.

ClinVar aggregate classification (germline): Uncertain significance (1 of 4 stars; one submission).

Submission:

Labcorp Genetics (formerly Invitae), Labcorp
Classification: Uncertain significance. Last evaluated: 2023-09-08. Review status: criteria provided, single submitter. Criteria: Invitae Variant Classification Sherloc (09022015). Collection method: clinical testing. Allele origin: germline.
Comment: In summary, the available evidence is currently insufficient to determine the role of this variant in disease. Therefore, it has been classified as a Variant of Uncertain Significance. Algorithms developed to predict the effect of missense changes on protein structure and function output the following: SIFT: "Not Available"; PolyPhen-2: "Benign"; Align-GVGD: "Not Available". The valine amino acid residue is found in multiple mammalian species, which suggests that this missense change does not adversely affect protein function. This variant has not been reported in the literature in individuals affected with CFH-related conditions. This variant is not present in population databases (gnomAD no frequency). This sequence change replaces isoleucine, which is neutral and non-polar, with valine, which is neutral and non-polar, at codon 157 of the CFH protein (p.Ile157Val).